The following is an entry in ClinVar:

ClinVar aggregate classification (germline): Uncertain significance (1 of 4 stars; one submission).

Allele frequency attached by ClinVar (database versions not stated): ESP Exome Variant Server 0.00009; gnomAD 0.00004; ExAC 0.00005.
gnomAD v4.1: 116 of 1,209,625 alleles (0.0096%); highest among the groups gnomAD compares: Non-Finnish European, 0.013%; no homozygotes.

Submissions (2):

Labcorp Genetics (formerly Invitae), Labcorp
Classification: Uncertain significance. Last evaluated: 2025-10-13. Review status: criteria provided, single submitter. Criteria: Invitae Variant Classification Sherloc (09022015). Collection method: clinical testing. Allele origin: germline.
Comment: This sequence change replaces glutamic acid, which is acidic and polar, with glutamine, which is neutral and polar, at codon 929 of the TLR7 protein (p.Glu929Gln). This variant is present in population databases (rs202231595, gnomAD 0.006%). This variant has not been reported in the literature in individuals affected with TLR7-related conditions. ClinVar contains an entry for this variant (Variation ID: 2091218). An algorithm developed to predict the effect of missense changes on protein structure and function (PolyPhen-2) suggests that this variant is likely to be disruptive. Experimental studies have shown that this missense change affects TLR7 function (PMID: 34413140). In summary, the available evidence is currently insufficient to determine the role of this variant in disease. Therefore, it has been classified as a Variant of Uncertain Significance.

Dr. Peter K. Rogan Lab, Western University
No classification provided (evidence only). Condition: Thyroid cancer, nonmedullary, 1. Review status: no classification provided. Collection method: in vitro. Allele origin: not applicable. Functional consequence: retained intron. Not counted in ClinVar's aggregate classification.

Literature cited by the submitters: PubMed 34413140 (cited by Labcorp Genetics (formerly Invitae), Labcorp).

NM_016562.4(TLR7):c.2785G>C (p.Glu929Gln)

Gene: TLR7 (toll like receptor 7; plus strand). Cytogenetic location: Xp22.2.
Variant type: single nucleotide variant.
Coding change: c.2785G>C on transcript NM_016562.4 (MANE Select); coding-DNA position 2785, G replaced by C.
Protein change: p.Glu929Gln; replaces glutamic acid 929 with glutamine.
Molecular consequence: missense variant.
Genome position (GRCh38, 1-based): chrX:12,888,293, G>C. VCF-style: chrX-12888293-G-C. GRCh37 (hg19) VCF-style: chrX-12906412-G-C.
Other names: short protein forms E929Q.
Identifiers: ClinVar variation 2091218 (VCV002091218.5), dbSNP rs202231595, ClinGen allele CA10350109.
Genomic context (GRCh38, chrX:12,888,293, plus strand): 5'-TTGGCTGAGCTGGTGGCCAAACTGGAAGACCCAAGAGAGAAACATTTTAATTTATGTCTC[G>C]AGGAAAGGGACTGGTTACCAGGGCAGCCAGTTCTGGAAAACCTTTCCCAGAGCATACAGC-3'
Protein context (NP_057646.1, residues 919-939): PREKHFNLCL[Glu929Gln]ERDWLPGQPV